The following is an entry in ClinVar:

NM_001367624.2(ZNF469):c.6907C>T (p.Leu2303Phe)

Gene: ZNF469 (zinc finger protein 469; plus strand). Cytogenetic location: 16q24.2.
Variant type: single nucleotide variant.
Coding change: c.6907C>T on transcript NM_001367624.2 (MANE Select); coding-DNA position 6907, C replaced by T.
Protein change: p.Leu2303Phe; replaces leucine 2303 with phenylalanine.
Molecular consequence: missense variant.
Genome position (GRCh38, 1-based): chr16:88,434,377, C>T. VCF-style: chr16-88434377-C-T. GRCh37 (hg19) VCF-style: chr16-88500785-C-T.
Other names: short protein forms L2303F.
Identifiers: ClinVar variation 3631472 (VCV003631472.2).

ClinVar aggregate classification (germline): Uncertain significance (1 of 4 stars; one submission).

gnomAD v4.1: 2 of 1,550,012 alleles (0.00013%); highest among the groups gnomAD compares: East Asian, 0.0024%; no homozygotes.

Submission:

Labcorp Genetics (formerly Invitae), Labcorp
Classification: Uncertain significance. Last evaluated: 2025-12-15. Review status: criteria provided, single submitter. Criteria: Invitae Variant Classification Sherloc (09022015). Collection method: clinical testing. Allele origin: germline.
Comment: This sequence change replaces leucine, which is neutral and non-polar, with phenylalanine, which is neutral and non-polar, at codon 2275 of the ZNF469 protein (p.Leu2275Phe). This variant is present in population databases (no rsID available, gnomAD 0.01%). This variant has not been reported in the literature in individuals affected with ZNF469-related conditions. ClinVar contains an entry for this variant (Variation ID: 3631472). An algorithm developed to predict the effect of missense changes on protein structure and function (PolyPhen-2) suggests that this variant is likely to be disruptive. In summary, the available evidence is currently insufficient to determine the role of this variant in disease. Therefore, it has been classified as a Variant of Uncertain Significance.